The following is an entry in ClinVar:

ClinVar aggregate classification (germline): Uncertain significance (1 of 4 stars; one submission).

gnomAD v4.1: 1 of 1,190,004 alleles (0.000084%); highest among the groups gnomAD compares: African/African-American, 0.0018%; no homozygotes.

Submission:

GeneDx
Classification: Uncertain significance. Last evaluated: 2023-10-16. Review status: criteria provided, single submitter. Criteria: GeneDx Variant Classification Process June 2021. Collection method: clinical testing. Allele origin: germline. Affected: yes.
Comment: Not observed at significant frequency in large population cohorts (gnomAD); In silico analysis supports that this missense variant does not alter protein structure/function; Has not been previously published as pathogenic or benign to our knowledge; Variants in candidate genes are classified as variants of uncertain significance in accordance with ACMG guidelines (Richards et al., 2015)

NM_182699.4(DDX53):c.76G>A (p.Gly26Ser)

Genes: DDX53 (DEAD-box helicase 53; plus strand), PTCHD1-AS (PTCHD1 antisense RNA (head to head); minus strand). Cytogenetic location: Xp22.11.
Variant type: single nucleotide variant.
Coding change: c.76G>A on transcript NM_182699.4 (MANE Select); coding-DNA position 76, G replaced by A.
Protein change: p.Gly26Ser; replaces glycine 26 with serine.
Molecular consequence: missense variant.
Genome position (GRCh38, 1-based): chrX:23,000,133, G>A. VCF-style: chrX-23000133-G-A. GRCh37 (hg19) VCF-style: chrX-23018250-G-A.
Other names: short protein forms G26S.
Identifiers: ClinVar variation 3573571 (VCV003573571.1).
Genomic context (GRCh38, chrX:23,000,133, plus strand): 5'-CCAGAGTGGAAGAGGGCGGAGGCTAATCCAAGAGACCTTGGGGCCAGCTGGGATGTCAGG[G>A]GCAGCAGAGGCAGTGGCTGGAGTGGCCCCTTCGGCCATCAGGGACCGAGAGCAGCAGGCT-3'
Protein context (NP_874358.2, residues 16-36): RDLGASWDVR[Gly26Ser]SRGSGWSGPF